The following is an entry in ClinVar:

ClinVar aggregate classification (germline): Uncertain significance (1 of 4 stars; one submission).

Allele frequency attached by ClinVar (database versions not stated): gnomAD 0.00003 and 0.00006; gnomAD exomes 0.00004 and 0.00005; ExAC 0.00005; TOPMed 0.00006; ESP Exome Variant Server 0.00008.
gnomAD v4.1: 63 of 1,532,372 alleles (0.0041%); highest among the groups gnomAD compares: Non-Finnish European, 0.0052%; no homozygotes.

Submission:

Labcorp Genetics (formerly Invitae), Labcorp
Classification: Uncertain significance. Last evaluated: 2023-10-13. Review status: criteria provided, single submitter. Criteria: Invitae Variant Classification Sherloc (09022015). Collection method: clinical testing. Allele origin: germline.
Comment: This sequence change replaces arginine, which is basic and polar, with tryptophan, which is neutral and slightly polar, at codon 1071 of the RNF31 protein (p.Arg1071Trp). This variant is present in population databases (rs371171962, gnomAD 0.01%). This variant has not been reported in the literature in individuals affected with RNF31-related conditions. ClinVar contains an entry for this variant (Variation ID: 1378336). An algorithm developed to predict the effect of missense changes on protein structure and function (PolyPhen-2) suggests that this variant is likely to be disruptive. In summary, the available evidence is currently insufficient to determine the role of this variant in disease. Therefore, it has been classified as a Variant of Uncertain Significance.

NM_017999.5(RNF31):c.3211C>T (p.Arg1071Trp)

Gene: RNF31 (ring finger protein 31; plus strand). Cytogenetic location: 14q12.
Variant type: single nucleotide variant.
Coding change: c.3211C>T on transcript NM_017999.5 (MANE Select); coding-DNA position 3211, C replaced by T.
Protein change: p.Arg1071Trp; replaces arginine 1071 with tryptophan.
Molecular consequence: missense variant.
Genome position (GRCh38, 1-based): chr14:24,160,565, C>T. VCF-style: chr14-24160565-C-T. GRCh37 (hg19) VCF-style: chr14-24629774-C-T.
Other names: c.2758C>T, p.Arg920Trp (NM_001310332.2); short protein forms R1071W, R920W.
Identifiers: ClinVar variation 1378336 (VCV001378336.6), dbSNP rs371171962, ClinGen allele CA7126308.
Genomic context (GRCh38, chr14:24,160,565, plus strand): 5'-TCTCTCCTTCTGCAGAAGCTGACAGAAGAGGTACCCTTGGGACAGAGTATCCCCCGCAGG[C>T]GGAAGTAGCTGAGGGCAAGGGTCCCGATGAGGGTCCCATGGCCTGCTCCCTCAGGAACAG-3'
Protein context (NP_060469.4, residues 1061-1072): VPLGQSIPRR[Arg1071Trp]K